The following is an entry in ClinVar:

ClinVar aggregate classification (germline): Uncertain significance (1 of 4 stars; one submission).

Conditions:
Benign neonatal seizures. Also called: Benign familial neonatal epilepsy; Benign familial neonatal seizures; Benign neonatal familial convulsions; Convulsions benign familial neonatal dominant form; Autosomal dominant form of benign neonatal seizures. Identifiers: Orphanet 1949, MedGen C0220669, MONDO:0016027.

Submission:

Labcorp Genetics (formerly Invitae), Labcorp
Classification: Uncertain significance for Benign neonatal seizures. Last evaluated: 2019-07-30. Review status: criteria provided, single submitter. Criteria: Invitae Variant Classification Sherloc (09022015). Collection method: clinical testing. Allele origin: germline.
Comment: This sequence change replaces isoleucine with leucine at codon 85 of the KCNQ3 protein (p.Ile85Leu). The isoleucine residue is moderately conserved and there is a small physicochemical difference between isoleucine and leucine. This variant is not present in population databases (ExAC no frequency). This variant has not been reported in the literature in individuals with KCNQ3-related conditions. Algorithms developed to predict the effect of missense changes on protein structure and function output the following: SIFT: "Tolerated"; PolyPhen-2: "Benign"; Align-GVGD: "Class C0". The leucine amino acid residue is found in multiple mammalian species, suggesting that this missense change does not adversely affect protein function. These predictions have not been confirmed by published functional studies and their clinical significance is uncertain. In summary, the available evidence is currently insufficient to determine the role of this variant in disease. Therefore, it has been classified as a Variant of Uncertain Significance.

NM_004519.4(KCNQ3):c.253A>C (p.Ile85Leu)

Gene: KCNQ3 (potassium voltage-gated channel subfamily Q member 3; minus strand). Cytogenetic location: 8q24.22.
Variant type: single nucleotide variant.
Coding change: c.253A>C on transcript NM_004519.4 (MANE Select); coding-DNA position 253, A replaced by C.
Protein change: p.Ile85Leu; replaces isoleucine 85 with leucine.
Molecular consequence: missense variant.
Genome position (GRCh38, 1-based): chr8:132,480,280, T>G on the plus strand (A>C on the coding strand, the complement: KCNQ3 is on the minus strand). VCF-style: chr8-132480280-T-G. GRCh37 (hg19) VCF-style: chr8-133492527-T-G.
Other names: short protein forms I85L.
Identifiers: ClinVar variation 978547 (VCV000978547.8), dbSNP rs969479579, ClinGen allele CA372292594.